The following is an entry in ClinVar:

ClinVar aggregate classification (germline): Uncertain significance (1 of 4 stars; one submission).

Submission:

Labcorp Genetics (formerly Invitae), Labcorp
Classification: Uncertain significance. Last evaluated: 2025-09-08. Review status: criteria provided, single submitter. Criteria: Invitae Variant Classification Sherloc (09022015). Collection method: clinical testing. Allele origin: germline.
Comment: This sequence change replaces lysine, which is basic and polar, with threonine, which is neutral and polar, at codon 405 of the COCH protein (p.Lys405Thr). This variant is present in population databases (rs751654014, gnomAD 0.003%). This variant has not been reported in the literature in individuals affected with COCH-related conditions. Invitae Evidence Modeling of protein sequence and biophysical properties (such as structural, functional, and spatial information, amino acid conservation, physicochemical variation, residue mobility, and thermodynamic stability) indicates that this missense variant is not expected to disrupt COCH protein function with a negative predictive value of 95%. In summary, the available evidence is currently insufficient to determine the role of this variant in disease. Therefore, it has been classified as a Variant of Uncertain Significance.

NM_004086.3(COCH):c.1214A>C (p.Lys405Thr)

Genes: COCH (cochlin; plus strand), COCH-AS1 (COCH antisense RNA 1; minus strand). Cytogenetic location: 14q12.
Variant type: single nucleotide variant.
Coding change: c.1214A>C on transcript NM_004086.3 (MANE Select); coding-DNA position 1214, A replaced by C.
Protein change: p.Lys405Thr; replaces lysine 405 with threonine.
Molecular consequence: missense variant. On other transcripts: non-coding transcript variant (1).
Genome position (GRCh38, 1-based): chr14:30,886,049, A>C. VCF-style: chr14-30886049-A-C. GRCh37 (hg19) VCF-style: chr14-31355255-A-C.
Other names: c.1214A>C, p.Lys405Thr (NM_001135058.2); c.1409A>C, p.Lys470Thr (NM_001347720.2); short protein forms K470T, K405T.
Identifiers: ClinVar variation 4776310 (VCV004776310.1).
Genomic context (GRCh38, chr14:30,886,049, plus strand): 5'-TCATGCTTGAATTTGTTTCCAACATAGCCAAGACTTTTGAAATCTCGGACATTGGTGCCA[A>C]GATAGCTGCTGTACAGTTTACTTATGATCAGCGCACGGAGTTCAGTTTCACTGACTATAG-3'
Protein context (NP_004077.1, residues 395-415): KTFEISDIGA[Lys405Thr]IAAVQFTYDQ